The following is an entry in ClinVar:

ClinVar aggregate classification (germline): Conflicting classifications of pathogenicity. Review status: criteria provided, conflicting classifications (1 of 4 stars). 4 submissions from 4 submitters: Likely pathogenic (1); Uncertain significance (3). Last evaluated 2025-12-02.

Conditions:
Inborn genetic diseases. Identifiers: MedGen C0950123, MeSH D030342.
Early-infantile DEE. Also called: Early infantile epileptic encephalopathy; Ohtahara syndrome; Early infantile epileptic encephalopathy with suppression bursts. Identifiers: Orphanet 1934, MedGen C0393706, MONDO:0800491.

Allele frequency attached by ClinVar (database versions not stated): ExAC 0.00001; gnomAD exomes 0.00001; TOPMed 0.00002.
gnomAD v4.1: 9 of 1,614,056 alleles (0.00056%); highest among the groups gnomAD compares: Admixed American, 0.0067%; no homozygotes.

Submissions (4):

Labcorp Genetics (formerly Invitae), Labcorp
Classification: Likely pathogenic for Early-infantile DEE. Last evaluated: 2025-12-02. Review status: criteria provided, single submitter. Criteria: Invitae Variant Classification Sherloc (09022015). Collection method: clinical testing. Allele origin: germline.
Comment: This sequence change replaces methionine, which is neutral and non-polar, with leucine, which is neutral and non-polar, at codon 785 of the SCN1A protein (p.Met785Leu). This variant is present in population databases (rs767045134, gnomAD 0.003%). This variant has not been reported in the literature in individuals affected with SCN1A-related conditions. ClinVar contains an entry for this variant (Variation ID: 521545). Invitae Evidence Modeling of protein sequence and biophysical properties (such as structural, functional, and spatial information, amino acid conservation, physicochemical variation, residue mobility, and thermodynamic stability) indicates that this missense variant is expected to disrupt SCN1A protein function with a positive predictive value of 95%. This variant disrupts the p.Met785 amino acid residue in SCN1A. Other variant(s) that disrupt this residue have been determined to be pathogenic (PMID: 21248271; internal data). This suggests that this residue is clinically significant, and that variants that disrupt this residue are likely to be disease-causing. In summary, the currently available evidence indicates that the variant is pathogenic, but additional data are needed to prove that conclusively. Therefore, this variant has been classified as Likely Pathogenic.

GeneDx
Classification: Uncertain significance. Last evaluated: 2025-02-05. Review status: criteria provided, single submitter. Criteria: GeneDx Variant Classification Process June 2021. Collection method: clinical testing. Allele origin: germline. Affected: yes.
Comment: In silico analysis supports that this missense variant has a deleterious effect on protein structure/function; This substitution is predicted to be within the transmembrane segment S1 of the second homologous domain; Has not been previously published as pathogenic or benign to our knowledge

Women's Health and Genetics/Laboratory Corporation of America, LabCorp
Classification: Uncertain significance. Last evaluated: 2024-08-27. Review status: criteria provided, single submitter. Criteria: LabCorp Variant Classification Summary - May 2015. Collection method: clinical testing. Allele origin: germline.
Comment: Variant summary: SCN1A c.2353A>T (p.Met785Leu) results in a conservative amino acid change located in the Ion transport domain (IPR005821) of the encoded protein sequence. Three of five in-silico tools predict a damaging effect of the variant on protein function. The variant allele was found at a frequency of 5.6e-06 in 1614056 control chromosomes (9 heterozygotes; gnomAD v4.1.0). To our knowledge, no occurrence of c.2353A>T in individuals affected with SCN1A-Related Seizure Disorder and no experimental evidence demonstrating its impact on protein function have been reported. ClinVar contains an entry for this variant (Variation ID: 521545). Additionally, different missense variants affecting the same codon have been reported as pathogenic/likely pathogenic in ClinVar and reported in the literature, such as c.2353A>G (p.M785V), c.2354T>C (p.M785T), suggesting disruption of this codon may result in disease. Based on the evidence outlined above, the variant was classified as VUS-possibly pathogenic.

Ambry Genetics
Classification: Uncertain significance for Inborn genetic diseases. Last evaluated: 2017-01-27. Review status: criteria provided, single submitter. Criteria: Ambry exome assertion method (8-5-2015). Collection method: clinical testing. Allele origin: germline. Affected: yes. Observed: 1 variant allele.

Literature cited by the submitters: PubMed 21248271 (cited by Labcorp Genetics (formerly Invitae), Labcorp and Ambry Genetics); PubMed 24097157 (cited by Ambry Genetics).

NM_001165963.4(SCN1A):c.2353A>T (p.Met785Leu)

Gene: SCN1A (sodium voltage-gated channel alpha subunit 1; minus strand). Cytogenetic location: 2q24.3.
Variant type: single nucleotide variant.
Coding change: c.2353A>T on transcript NM_001165963.4 (MANE Select); coding-DNA position 2353, A replaced by T.
Protein change: p.Met785Leu; replaces methionine 785 with leucine.
Molecular consequence: missense variant. On other transcripts: 5 prime UTR variant (1), non-coding transcript variant (1).
Genome position (GRCh38, 1-based): chr2:166,041,293, T>A on the plus strand (A>T on the coding strand, the complement: SCN1A is on the minus strand). VCF-style: chr2-166041293-T-A. GRCh37 (hg19) VCF-style: chr2-166897803-T-A.
Other names: c.2269A>T, p.Met757Leu (NM_001165964.3, NM_001353957.2, NM_001353958.2); c.2353A>T, p.Met785Leu (NM_001202435.3, NM_001353948.2); c.2320A>T, p.Met774Leu (NM_001353949.2, NM_001353950.2, NM_001353951.2 and 2 more transcripts); c.2317A>T, p.Met773Leu (NM_001353954.2, NM_001353955.2); c.2266A>T, p.Met756Leu (NM_001353960.2); c.-106A>T (NM_001353961.2); short protein forms M774L, M785L, M756L, M773L, M757L.
Identifiers: ClinVar variation 521545 (VCV000521545.16), dbSNP rs767045134, ClinGen allele CA1943133.